The following is an entry in ClinVar:

NM_001164508.2(NEB):c.700C>T (p.Gln234Ter)

Gene: NEB (nebulin; minus strand). Cytogenetic location: 2q23.3.
Variant type: single nucleotide variant.
Coding change: c.700C>T on transcript NM_001164508.2 (MANE Select); coding-DNA position 700, C replaced by T.
Protein change: p.Gln234Ter; replaces glutamine 234 with a stop codon.
Molecular consequence: nonsense.
Genome position (GRCh38, 1-based): chr2:151,723,399, G>A on the plus strand (C>T on the coding strand, the complement: NEB is on the minus strand). VCF-style: chr2-151723399-G-A. GRCh37 (hg19) VCF-style: chr2-152579913-G-A.
Other names: c.700C>T, p.Gln234Ter (NM_004543.5, NM_001164507.2, NM_001271208.2); short protein forms Q234*.
Identifiers: ClinVar variation 3631619 (VCV003631619.2).

ClinVar aggregate classification (germline): Pathogenic (1 of 4 stars; one submission).

Conditions:
Nemaline myopathy 2 (NEM2). Also called: Nemaline myopathy 2, autosomal recessive. Identifiers: MedGen C1850569, MONDO:0009725, OMIM 256030.

gnomAD v4.1: 2 of 1,608,464 alleles (0.00012%); highest among the groups gnomAD compares: Non-Finnish European, 0.00017%; no homozygotes.

Submission:

Labcorp Genetics (formerly Invitae), Labcorp
Classification: Pathogenic for Nemaline myopathy 2. Last evaluated: 2024-02-19. Review status: criteria provided, single submitter. Criteria: Invitae Variant Classification Sherloc (09022015). Collection method: clinical testing. Allele origin: germline.
Comment: This sequence change creates a premature translational stop signal (p.Gln234*) in the NEB gene. It is expected to result in an absent or disrupted protein product. Loss-of-function variants in NEB are known to be pathogenic (PMID: 25205138). This variant is not present in population databases (gnomAD no frequency). This variant has not been reported in the literature in individuals affected with NEB-related conditions. For these reasons, this variant has been classified as Pathogenic.

Literature cited by the submitters: PubMed 25205138.